The following is an entry in ClinVar:

NM_004385.5(VCAN):c.8698C>T (p.Pro2900Ser)

Genes: VCAN (versican; plus strand), VCAN-AS1 (VCAN antisense RNA 1; minus strand). Cytogenetic location: 5q14.3.
Variant type: single nucleotide variant.
Coding change: c.8698C>T on transcript NM_004385.5 (MANE Select); coding-DNA position 8698, C replaced by T.
Protein change: p.Pro2900Ser; replaces proline 2900 with serine.
Molecular consequence: missense variant. On other transcripts: intron variant (2).
Genome position (GRCh38, 1-based): chr5:83,541,701, C>T. VCF-style: chr5-83541701-C-T. GRCh37 (hg19) VCF-style: chr5-82837520-C-T.
Other names: c.4004-3836C>T (NM_001164098.2); c.1043-3836C>T (NM_001126336.3); c.8698C>T (NM_004385.4); c.5737C>T, p.Pro1913Ser (NM_001164097.2); short protein forms P2900S, P1913S.
Identifiers: ClinVar variation 2035959 (VCV002035959.5), dbSNP rs747866757, ClinGen allele CA3333853.

ClinVar aggregate classification (germline): Uncertain significance. Review status: criteria provided, multiple submitters, no conflicts (2 of 4 stars). 2 submissions from 2 submitters: Uncertain significance (2). Last evaluated 2025-09-22.

Conditions:
Inborn genetic diseases. Identifiers: MedGen C0950123, MeSH D030342.

Allele frequency attached by ClinVar (database versions not stated): ExAC 0.00001; gnomAD 0.00001; TOPMed 0.00002.
gnomAD v4.1: 4 of 1,613,840 alleles (0.00025%); highest among the groups gnomAD compares: Admixed American, 0.0017%; no homozygotes.

Submissions (2):

Ambry Genetics
Classification: Uncertain significance for Inborn genetic diseases. Last evaluated: 2025-09-22. Review status: criteria provided, single submitter. Criteria: Ambry Variant Classification Scheme 2023. Collection method: clinical testing. Allele origin: germline.

Labcorp Genetics (formerly Invitae), Labcorp
Classification: Uncertain significance. Last evaluated: 2024-05-22. Review status: criteria provided, single submitter. Criteria: Invitae Variant Classification Sherloc (09022015). Collection method: clinical testing. Allele origin: germline.
Comment: This sequence change replaces proline, which is neutral and non-polar, with serine, which is neutral and polar, at codon 2900 of the VCAN protein (p.Pro2900Ser). This variant is present in population databases (rs747866757, gnomAD 0.007%). This variant has not been reported in the literature in individuals affected with VCAN-related conditions. ClinVar contains an entry for this variant (Variation ID: 2035959). Algorithms developed to predict the effect of missense changes on protein structure and function output the following: SIFT: "Not Available"; PolyPhen-2: "Benign"; Align-GVGD: "Not Available". The serine amino acid residue is found in multiple mammalian species, which suggests that this missense change does not adversely affect protein function. In summary, the available evidence is currently insufficient to determine the role of this variant in disease. Therefore, it has been classified as a Variant of Uncertain Significance.